The following is an entry in ClinVar:

NM_001267550.2(TTN):c.80663C>T (p.Thr26888Ile)

Genes: TTN (titin; minus strand), TTN-AS1 (TTN antisense RNA 1; plus strand). Cytogenetic location: 2q31.2.
Variant type: single nucleotide variant.
Coding change: c.80663C>T on transcript NM_001267550.2 (MANE Select); coding-DNA position 80663, C replaced by T.
Protein change: p.Thr26888Ile; replaces threonine 26888 with isoleucine.
Molecular consequence: missense variant.
Genome position (GRCh38, 1-based): chr2:178,565,469, G>A on the plus strand (C>T on the coding strand, the complement: TTN is on the minus strand). VCF-style: chr2-178565469-G-A. GRCh37 (hg19) VCF-style: chr2-179430196-G-A.
Other names: c.75740C>T, p.Thr25247Ile (NM_001256850.1); c.53468C>T, p.Thr17823Ile (NM_003319.4); c.72959C>T, p.Thr24320Ile (NM_133378.4); c.53843C>T, p.Thr17948Ile (NM_133432.3); c.54044C>T, p.Thr18015Ile (NM_133437.4); short protein forms T25247I, T26888I, T17823I, T17948I, T18015I, T24320I.
Identifiers: ClinVar variation 1746952 (VCV001746952.2), dbSNP rs2468248382, ClinGen allele CA349587086.

ClinVar aggregate classification (germline): Uncertain significance (1 of 4 stars; one submission).

Conditions:
Cardiovascular phenotype. Identifiers: MedGen CN230736.

gnomAD v4.1: 1 of 1,613,248 alleles (0.000062%); no homozygotes.

Submission:

Ambry Genetics
Classification: Uncertain significance for Cardiovascular phenotype. Last evaluated: 2020-01-21. Review status: criteria provided, single submitter. Criteria: Ambry Variant Classification Scheme 2023. Collection method: clinical testing. Allele origin: germline.
Comment: The p.T17823I variant (also known as c.53468C>T), located in coding exon 153 of the TTN gene, results from a C to T substitution at nucleotide position 53468. The threonine at codon 17823 is replaced by isoleucine, an amino acid with similar properties. This amino acid position is highly conserved in available vertebrate species. In addition, this alteration is predicted to be tolerated by in silico analysis. Since supporting evidence is limited at this time, the clinical significance of this alteration remains unclear.